The following is an entry in ClinVar:

ClinVar aggregate classification (germline): Uncertain significance (1 of 4 stars; one submission).

Submission:

GeneDx
Classification: Uncertain significance. Last evaluated: 2024-01-25. Review status: criteria provided, single submitter. Criteria: GeneDx Variant Classification Process June 2021. Collection method: clinical testing. Allele origin: germline. Affected: yes.
Comment: Not observed at significant frequency in large population cohorts (gnomAD); Frameshift variant predicted to result in protein truncation or nonsense mediated decay in a gene or region of a gene for which loss of function is not a well-established mechanism of disease; Has not been previously published as pathogenic or benign to our knowledge

NM_006267.5(RANBP2):c.2151_2164del (p.Leu718fs)

Gene: RANBP2 (RAN binding protein 2; plus strand). Cytogenetic location: 2q13.
Variant type: Deletion.
Coding change: c.2151_2164del on transcript NM_006267.5 (MANE Select); coding-DNA positions 2151 to 2164, 14 bases deleted (CCTAATAAAGATTA).
Protein change: p.Leu718fs; shifts the reading frame from leucine 718.
Molecular consequence: frameshift variant.
Genome position (GRCh38, 1-based): chr2:108,753,920-108,753,933, CCTAATAAAGATTA deleted; deleting any 14 consecutive bases within chr2:108,753,918-108,753,933 gives the same sequence; the c. name uses the placement nearest the transcript's 3' end. VCF-style (leftmost placement, unchanged base first): chr2-108753917-CTACCTAATAAAGAT-C. GRCh37 (hg19) VCF-style: chr2-109370373-CTACCTAATAAAGAT-C.
Other names: c.2151_2164del, p.Leu718fs (NM_001415871.1, NM_001415873.1); c.2148_2161del, p.Leu717fs (NM_001415872.1); short protein forms L717fs, L718fs.
Identifiers: ClinVar variation 3368111 (VCV003368111.1).